The following is an entry in ClinVar:

ClinVar aggregate classification (germline): Benign/Likely benign. Review status: criteria provided, multiple submitters, no conflicts (2 of 4 stars). 3 submissions from 3 submitters: Benign (1); Likely benign (1). 1 of the submissions does not count toward it. Last evaluated 2025-12-24.

Conditions:
CPAMD8-related disorder. Also called: CPAMD8-related condition.

Allele frequency attached by ClinVar (database versions not stated): 1000 Genomes Project 30x 0.00016; 1000 Genomes Project 0.00020; TOPMed 0.00129; gnomAD 0.00176 and 0.00186; gnomAD exomes 0.00222 and 0.00224; ESP Exome Variant Server 0.00254; ExAC 0.00255.
gnomAD v4.1: 3,440 of 1,613,650 alleles (0.21%); highest among the groups gnomAD compares: Non-Finnish European, 0.25%; 6 homozygotes.

Submissions (3):

Labcorp Genetics (formerly Invitae), Labcorp
Classification: Benign. Last evaluated: 2025-12-24. Review status: criteria provided, single submitter. Criteria: Invitae Variant Classification Sherloc (09022015). Collection method: clinical testing. Allele origin: germline.

Blueprint Genetics
Classification: Likely benign. Last evaluated: 2024-11-21. Review status: criteria provided, single submitter. Criteria: ACMG Guidelines, 2015. Collection method: clinical testing. Allele origin: germline.

PreventionGenetics, part of Exact Sciences
Classification: Likely benign for CPAMD8-related condition. Last evaluated: 2019-10-01. Review status: no assertion criteria provided. Collection method: clinical testing. Allele origin: germline. Not counted in ClinVar's aggregate classification.
Comment: This variant is classified as likely benign based on ACMG/AMP sequence variant interpretation guidelines (Richards et al. 2015 PMID: 25741868, with internal and published modifications).

NM_015692.5(CPAMD8):c.5349G>A (p.Gln1783=)

Gene: CPAMD8 (C3 and PZP like alpha-2-macroglobulin domain containing 8; minus strand). Cytogenetic location: 19p13.11.
Variant type: single nucleotide variant.
Coding change: c.5349G>A on transcript NM_015692.5 (MANE Select); coding-DNA position 5349, G replaced by A.
Protein change: p.Gln1783=; no amino-acid change (glutamine 1783 retained).
Molecular consequence: synonymous variant. On other transcripts: non-coding transcript variant (1).
Genome position (GRCh38, 1-based): chr19:16,896,253, C>T on the plus strand (G>A on the coding strand, the complement: CPAMD8 is on the minus strand). VCF-style: chr19-16896253-C-T. GRCh37 (hg19) VCF-style: chr19-17007064-C-T.
Other names: c.5490G>A (NM_015692.2).
Identifiers: ClinVar variation 1529514 (VCV001529514.11), dbSNP rs201195391, ClinGen allele CA9284338.